The following is an entry in ClinVar:

NM_005505.5(SCARB1):c.1050T>C (p.Ala350=)

Gene: SCARB1 (scavenger receptor class B member 1; minus strand). Cytogenetic location: 12q24.31.
Variant type: single nucleotide variant.
Coding change: c.1050T>C on transcript NM_005505.5 (MANE Select); coding-DNA position 1050, T replaced by C.
Protein change: p.Ala350=; no amino-acid change (alanine 350 retained).
Molecular consequence: synonymous variant. On other transcripts: non-coding transcript variant (6), intron variant (2).
Genome position (GRCh38, 1-based): chr12:124,800,202, A>G on the plus strand (T>C on the coding strand, the complement: SCARB1 is on the minus strand). VCF-style: chr12-124800202-A-G. GRCh37 (hg19) VCF-style: chr12-125284748-A-G.
Other names: c.1050T>C, p.Ala350= (NM_001082959.2, NM_001367981.1, NM_001367983.1 and 3 more transcripts); c.927T>C, p.Ala309= (NM_001367982.1); c.1026T>C, p.Ala342= (NM_001367985.1); c.727-4934T>C (NM_001367988.1); c.1004+7564T>C (NM_001367987.1).
Identifiers: ClinVar variation 1236346 (VCV001236346.14), dbSNP rs5888, ClinGen allele CA6870342.

ClinVar aggregate classification (germline): Benign. Review status: criteria provided, multiple submitters, no conflicts (2 of 4 stars). 4 submissions from 4 submitters: Benign (3). 1 of the submissions does not count toward it. Last evaluated 2026-02-04.

Conditions:
SCARB1-related disorder. Also called: SCARB1-related condition.

Allele frequency attached by ClinVar (database versions not stated): ExAC 0.58522; 1000 Genomes Project 0.67712; ESP Exome Variant Server 0.61841; TOPMed 0.64034; gnomAD exomes 0.54000; 1000 Genomes Project 30x 0.68036.
gnomAD v4.1: 884,965 of 1,612,832 alleles (55%); highest among the groups gnomAD compares: African/African-American, 82%; 248,441 homozygotes.

Submissions (4):

Labcorp Genetics (formerly Invitae), Labcorp
Classification: Benign. Last evaluated: 2026-02-04. Review status: criteria provided, single submitter. Criteria: Invitae Variant Classification Sherloc (09022015). Collection method: clinical testing. Allele origin: germline.

GeneDx
Classification: Benign. Last evaluated: 2018-08-30. Review status: criteria provided, single submitter. Criteria: GeneDx Variant Classification Process June 2021. Collection method: clinical testing. Allele origin: germline. Affected: yes.
Comment: This variant is associated with the following publications: (PMID: 27651445, 23510561, 28008009, 12519372, 19806217, 17476110, 10397692, 20060115)

Breakthrough Genomics
Classification: Benign. Review status: criteria provided, single submitter. Criteria: ACMG Guidelines, 2015. Collection method: not provided. Allele origin: germline. Inheritance: Unknown mechanism. Affected: yes.

PreventionGenetics, part of Exact Sciences
Classification: Benign for SCARB1-related condition. Last evaluated: 2019-03-13. Review status: no assertion criteria provided. Collection method: clinical testing. Allele origin: germline. Not counted in ClinVar's aggregate classification.
Comment: This variant is classified as benign based on ACMG/AMP sequence variant interpretation guidelines (Richards et al. 2015 PMID: 25741868, with internal and published modifications).